The following is an entry in ClinVar:

NM_000528.4(MAN2B1):c.545C>T (p.Thr182Ile)

Gene: MAN2B1 (mannosidase alpha class 2B member 1; minus strand). Cytogenetic location: 19p13.13.
Variant type: single nucleotide variant.
Coding change: c.545C>T on transcript NM_000528.4 (MANE Select); coding-DNA position 545, C replaced by T.
Protein change: p.Thr182Ile; replaces threonine 182 with isoleucine.
Molecular consequence: missense variant.
Genome position (GRCh38, 1-based): chr19:12,664,877, G>A on the plus strand (C>T on the coding strand, the complement: MAN2B1 is on the minus strand). VCF-style: chr19-12664877-G-A. GRCh37 (hg19) VCF-style: chr19-12775691-G-A.
Other names: c.545C>T, p.Thr182Ile (NM_001173498.2); short protein forms T182I.
Identifiers: ClinVar variation 2014761 (VCV002014761.4), dbSNP rs1246777449, ClinGen allele CA404254827.

ClinVar aggregate classification (germline): Uncertain significance (1 of 4 stars; one submission).

Conditions:
Deficiency of alpha-mannosidase (MANSA). Also called: Mannosidosis, alpha-, types I and II; LYSOSOMAL ALPHA-D-MANNOSIDASE DEFICIENCY; Alpha-Mannosidosis. Identifiers: Orphanet 61, MedGen C0024748, MONDO:0009561, OMIM 248500.

Submission:

Labcorp Genetics (formerly Invitae), Labcorp
Classification: Uncertain significance for Deficiency of alpha-mannosidase. Last evaluated: 2025-06-20. Review status: criteria provided, single submitter. Criteria: Invitae Variant Classification Sherloc (09022015). Collection method: clinical testing. Allele origin: germline.
Comment: This sequence change replaces threonine, which is neutral and polar, with isoleucine, which is neutral and non-polar, at codon 182 of the MAN2B1 protein (p.Thr182Ile). This variant is not present in population databases (gnomAD no frequency). This variant has not been reported in the literature in individuals affected with MAN2B1-related conditions. ClinVar contains an entry for this variant (Variation ID: 2014761). Invitae Evidence Modeling of protein sequence and biophysical properties (such as structural, functional, and spatial information, amino acid conservation, physicochemical variation, residue mobility, and thermodynamic stability) has been performed for this missense variant. However, the output from this modeling did not meet the statistical confidence thresholds required to predict the impact of this variant on MAN2B1 protein function. In summary, the available evidence is currently insufficient to determine the role of this variant in disease. Therefore, it has been classified as a Variant of Uncertain Significance.